The following is an entry in ClinVar:

ClinVar aggregate classification (germline): Pathogenic (1 of 4 stars; one submission).

Conditions:
Pallister-Hall syndrome (PHS). Also called: GLI3-Related Pallister-Hall Syndrome; HYPOTHALAMIC HAMARTOBLASTOMA, HYPOPITUITARISM, IMPERFORATE ANUS, AND POSTAXIAL POLYDACTYLY. Identifiers: Orphanet 672, MedGen C0265220, MONDO:0007804, OMIM 146510.
Greig cephalopolysyndactyly syndrome (GCPS). Also called: Greig syndrome; POLYSYNDACTYLY WITH PECULIAR SKULL SHAPE; GLI3-Related Greig Cephalopolysyndactyly Syndrome. Identifiers: Orphanet 380, MedGen C0265306, MONDO:0008287, OMIM 175700.

Submission:

Labcorp Genetics (formerly Invitae), Labcorp
Classification: Pathogenic for Pallister-Hall syndrome; Greig cephalopolysyndactyly syndrome. Last evaluated: 2018-06-22. Review status: criteria provided, single submitter. Criteria: Invitae Variant Classification Sherloc (09022015). Collection method: clinical testing. Allele origin: germline.
Comment: This sequence change results in a premature translational stop signal in the GLI3 gene (p.Asn1302Cysfs*45). While this is not anticipated to result in nonsense mediated decay, it is expected to disrupt the last 279 amino acids of the GLI3 protein. This variant is not present in population databases (ExAC no frequency). This variant has not been reported in the literature in individuals with GLI3-related disease. A different truncation (p.Glu1500*) that lies downstream of this variant has been determined to be pathogenic (Invitae). This suggests that deletion of this region of the GLI3 protein is causative of disease. For these reasons, this variant has been classified as Pathogenic.

NM_000168.6(GLI3):c.3904_3912delinsT (p.Asn1302fs)

Gene: GLI3 (GLI family zinc finger 3; minus strand). Cytogenetic location: 7p14.1.
Variant type: Indel.
Coding change: c.3904_3912delinsT on transcript NM_000168.6 (MANE Select); coding-DNA positions 3904 to 3912, AATGAGTCA replaced by T.
Protein change: p.Asn1302fs; shifts the reading frame from asparagine 1302.
Molecular consequence: frameshift variant.
Genome position (GRCh38, 1-based): chr7:41,965,161-41,965,169, TGACTCATT replaced by A on the plus strand (AATGAGTCA replaced by T on the coding strand, the reverse complement: GLI3 is on the minus strand). VCF-style: chr7-41965161-TGACTCATT-A. GRCh37 (hg19) VCF-style: chr7-42004759-TGACTCATT-A.
Other names: short protein forms N1302fs.
Identifiers: ClinVar variation 577666 (VCV000577666.1), dbSNP rs1562657560, ClinGen allele CA891843266.
Genomic context (GRCh38, chr7:41,965,161, plus strand): 5'-AGCCAGGTACCCCTGTCCCACTGGGTCCTGGTTCTGCATGCCATTCACCATGCTGCCAGC[TGACTCATT>A]TGGCGCTACCGGCAGGCCGAAATTCAGCTGGCCCCCGCTCCCTTGCATGGGGGTGCTCTT-3'